The following is an entry in ClinVar:

ClinVar aggregate classification (germline): Uncertain significance (1 of 4 stars; one submission).

gnomAD v4.1: 1 of 1,559,126 alleles (0.000064%); highest among the groups gnomAD compares: Admixed American, 0.002%; no homozygotes.

Submission:

GeneDx
Classification: Uncertain significance. Last evaluated: 2024-11-13. Review status: criteria provided, single submitter. Criteria: GeneDx Variant Classification Process June 2021. Collection method: clinical testing. Allele origin: germline. Affected: yes.
Comment: Not observed at significant frequency in large population cohorts (gnomAD); In silico analysis supports that this missense variant has a deleterious effect on protein structure/function; Has not been previously published as pathogenic or benign to our knowledge

NM_013450.4(BAZ2B):c.4235A>G (p.Glu1412Gly)

Genes: BAZ2B (bromodomain adjacent to zinc finger domain 2B; minus strand), LOC126806390 (CDK7 strongly-dependent group 2 enhancer GRCh37_chr2:160205700-160206899; plus strand). Cytogenetic location: 2q24.2.
Variant type: single nucleotide variant.
Coding change: c.4235A>G on transcript NM_013450.4 (MANE Select); coding-DNA position 4235, A replaced by G.
Protein change: p.Glu1412Gly; replaces glutamic acid 1412 with glycine.
Molecular consequence: missense variant.
Genome position (GRCh38, 1-based): chr2:159,350,336, T>C on the plus strand (A>G on the coding strand, the complement: BAZ2B is on the minus strand). VCF-style: chr2-159350336-T-C. GRCh37 (hg19) VCF-style: chr2-160206847-T-C.
Other names: c.4127A>G, p.Glu1376Gly (NM_001289975.1); c.4073A>G, p.Glu1358Gly (NM_001329857.2); c.4160A>G, p.Glu1387Gly (NM_001329858.2); short protein forms E1358G, E1376G, E1387G, E1412G.
Identifiers: ClinVar variation 3899613 (VCV003899613.1).
Genomic context (GRCh38, chr2:159,350,336, plus strand): 5'-GAAGTCTCAAACATTTCTTCTTTGATCTGGACACTTTCTGCCTTTTTCAGTTTTTCTCTT[T>C]CTTTTGCAATTTCTTCTAGTCCTACAAAATGAAAAAGCATTATGAACATCAGTTACTCCA-3'
Protein context (NP_038478.2, residues 1402-1422): SGEGLEEIAK[Glu1412Gly]REKLKKAESV